The following is an entry in ClinVar:

ClinVar aggregate classification (germline): Likely pathogenic. Review status: criteria provided, single submitter (1 of 4 stars). 2 submissions from 2 submitters: Likely pathogenic (1). 1 of the submissions does not count toward it.

Conditions:
Retinitis pigmentosa 39 (RP39). Identifiers: Orphanet 791, MedGen C3151138, MONDO:0013436, OMIM 613809.
Usher syndrome type 2A. Also called: RETINAL DISEASE IN USHER SYNDROME TYPE IIA, MODIFIER OF; USHER SYNDROME, TYPE IIA. Identifiers: Orphanet 231178, Orphanet 886, MedGen C1848634, MONDO:0010169, OMIM 276901.

Submissions (2):

Neuberg Centre For Genomic Medicine, NCGM
Classification: Likely pathogenic for Retinitis pigmentosa 39. Review status: criteria provided, single submitter. Criteria: ACMG Guidelines, 2015. Collection method: clinical testing. Allele origin: germline. Inheritance: Autosomal recessive inheritance. Affected: yes.
Comment: The frame shift c.11100_11104del p.Tyr3701GlufsTer18 variant in USH2A gene has not been reported previously as a pathogenic variant nor as a benign variant, to our knowledge. The p.Tyr3701GlufsTer18 variant is novel not in any individuals in gnomAD Exomes and 1000 Genomes. This variant has been reported to the ClinVar database as Likely Pathogenic. This variant causes a frameshift starting with codon Tyrosine 3701, changes this amino acid to Glutamic Acid residue, and creates a premature Stop codon at position 18 of the new reading frame, denoted p.Tyr3701GlufsTer18. This variant is predicted to cause loss of normal protein function through protein truncation. Loss of function variants have been previously reported to be disease causing. For these reasons, this variant has been classified as Likely Pathogenic.

Counsyl
Classification: Likely pathogenic for Usher syndrome type 2A; Retinitis pigmentosa 39. Last evaluated: 2017-05-01. Review status: no assertion criteria provided. Collection method: clinical testing. Allele origin: unknown. Not counted in ClinVar's aggregate classification.

NM_206933.4(USH2A):c.11100_11104del (p.Tyr3701fs)

Gene: USH2A (usherin; minus strand). Cytogenetic location: 1q41.
Variant type: Deletion.
Coding change: c.11100_11104del on transcript NM_206933.4 (MANE Select); coding-DNA positions 11100 to 11104, 5 bases deleted (ATATT; older notation c.11100_11104delATATT).
Protein change: p.Tyr3701fs; shifts the reading frame from tyrosine 3701.
Molecular consequence: frameshift variant.
Genome position (GRCh38, 1-based): chr1:215,759,787-215,759,791, AATAT deleted on the plus strand (ATATT on the coding strand, the reverse complement: USH2A is on the minus strand); deleting any 5 consecutive bases within chr1:215,759,787-215,759,794 gives the same sequence; the c. name uses the placement nearest the transcript's 3' end. VCF-style (leftmost placement, unchanged base first): chr1-215759786-CAATAT-C. GRCh37 (hg19) VCF-style: chr1-215933128-CAATAT-C.
Other names: short protein forms Y3701fs.
Identifiers: ClinVar variation 551681 (VCV000551681.4), dbSNP rs1553259179, ClinGen allele CA658821743.